The following is an entry in ClinVar:

ClinVar aggregate classification (germline): Conflicting classifications of pathogenicity. Review status: criteria provided, conflicting classifications (1 of 4 stars). 7 submissions from 7 submitters: Uncertain significance (5); Benign (1); Likely benign (1). Last evaluated 2026-01-20.

Conditions:
Tuberous sclerosis 2 (TSC2). Identifiers: Orphanet 805, MedGen C1860707, MONDO:0013199, OMIM 613254.
Lymphangiomyomatosis (LAM). Also called: Lymphangioleiomyomatosis, somatic; Lymphangioleiomyomatosis. Identifiers: Orphanet 538, MedGen C0751674, MONDO:0011705, OMIM 606690.
Isolated focal cortical dysplasia type II (FCORD2). Also called: CORTICAL DYSPLASIA OF TAYLOR; Focal cortical dysplasia type II. Identifiers: Orphanet 268994, MedGen C1846385, MONDO:0011818, OMIM 607341, HP:0032051.
Hereditary cancer-predisposing syndrome. Also called: Neoplastic Syndromes, Hereditary; Hereditary Cancer Syndrome; Hereditary neoplastic syndrome; Tumor predisposition. Identifiers: Orphanet 140162, MedGen C0027672, MeSH D009386, MONDO:0015356.
Tuberous sclerosis syndrome (TSC). Also called: Tuberous sclerosis; Tuberous Sclerosis Complex. Identifiers: Orphanet 805, MedGen C0041341, MONDO:0001734.

Allele frequency attached by ClinVar (database versions not stated): gnomAD exomes below 0.00001; gnomAD 0.00001; TOPMed 0.00001.
gnomAD v4.1: 5 of 1,587,464 alleles (0.00031%); highest among the groups gnomAD compares: Non-Finnish European, 0.00043%; no homozygotes.

Submissions (7):

Labcorp Genetics (formerly Invitae), Labcorp
Classification: Benign for Tuberous sclerosis 2. Last evaluated: 2026-01-20. Review status: criteria provided, single submitter. Criteria: Invitae Variant Classification Sherloc (09022015). Collection method: clinical testing. Allele origin: germline.

All of Us Research Program, National Institutes of Health
Classification: Uncertain significance for Tuberous sclerosis syndrome. Last evaluated: 2024-09-23. Review status: criteria provided, single submitter. Criteria: ACMG Guidelines, 2015. Collection method: clinical testing. Allele origin: germline. Inheritance: Autosomal dominant inheritance. Observed: 6 variant alleles, 6 heterozygotes.
Comment: This missense variant replaces arginine with glutamine at codon 98 of the TSC2 protein. Computational prediction suggests that this variant may have deleterious impact on protein structure and function. Functional studies have reported this variant may result in increased levels of phosphorylated S6K and 4EBP1 and activate the mTOR kinase pathway (PMID: 36229297). This variant has not been reported in individuals affected with TSC2-related disorders in the literature. This variant has not been identified in the general population by the Genome Aggregation Database (gnomAD). The available evidence is insufficient to determine the role of this variant in disease conclusively. Therefore, this variant is classified as a Variant of Uncertain Significance.

This study involves interpretation of variants in research participants for the purpose of population health screening. Participant phenotype was not available at the time of variant classification. Additional details can be found in publication PMID: 35346344, PMCID: PMC8962531

Color Diagnostics, LLC DBA Color Health
Classification: Uncertain significance for Tuberous sclerosis syndrome. Last evaluated: 2024-07-31. Review status: criteria provided, single submitter. Criteria: ACMG Guidelines, 2015. Collection method: clinical testing. Allele origin: germline.
Comment: This missense variant replaces arginine with glutamine at codon 98 of the TSC2 protein. Computational prediction suggests that this variant may have deleterious impact on protein structure and function. Functional studies have reported this variant may result in increased levels of phosphorylated S6K and 4EBP1 and activate the mTOR kinase pathway (PMID: 36229297). This variant has not been reported in individuals affected with TSC2-related disorders in the literature. This variant has not been identified in the general population by the Genome Aggregation Database (gnomAD). The available evidence is insufficient to determine the role of this variant in disease conclusively. Therefore, this variant is classified as a Variant of Uncertain Significance.

Baylor Genetics
Classification: Uncertain significance for Isolated focal cortical dysplasia type II. Last evaluated: 2023-10-15. Review status: criteria provided, single submitter. Criteria: ACMG Guidelines, 2015. Collection method: clinical testing. Allele origin: unknown.

Ambry Genetics
Classification: Likely benign for Hereditary cancer-predisposing syndrome. Last evaluated: 2023-05-10. Review status: criteria provided, single submitter. Criteria: Ambry Variant Classification Scheme 2023. Collection method: clinical testing. Allele origin: germline.

Fulgent Genetics
Classification: Uncertain significance for Lymphangiomyomatosis; Isolated focal cortical dysplasia type II; Tuberous sclerosis 2. Last evaluated: 2022-03-31. Review status: criteria provided, single submitter. Criteria: ACMG Guidelines, 2015. Collection method: clinical testing. Allele origin: unknown.

GeneDx
Classification: Uncertain significance. Last evaluated: 2021-08-25. Review status: criteria provided, single submitter. Criteria: GeneDx Variant Classification Process June 2021. Collection method: clinical testing. Allele origin: germline. Affected: yes.
Comment: In silico analysis supports that this missense variant has a deleterious effect on protein structure/function; Has not been previously published as pathogenic or benign to our knowledge; This variant is associated with the following publications: (PMID: 18466115)

Literature cited by the submitters: PubMed 36229297 (cited by All of Us Research Program, National Institutes of Health and Color Diagnostics, LLC DBA Color Health); PubMed 35441217 (cited by Ambry Genetics).

NM_000548.5(TSC2):c.293G>A (p.Arg98Gln)

Gene: TSC2 (TSC complex subunit 2; plus strand). Cytogenetic location: 16p13.3.
Variant type: single nucleotide variant.
Coding change: c.293G>A on transcript NM_000548.5 (MANE Select); coding-DNA position 293, G replaced by A.
Protein change: p.Arg98Gln; replaces arginine 98 with glutamine.
Molecular consequence: missense variant. On other transcripts: intron variant (2).
Genome position (GRCh38, 1-based): chr16:2,053,409, G>A. VCF-style: chr16-2053409-G-A. GRCh37 (hg19) VCF-style: chr16-2103410-G-A.
Other names: c.293G>A, p.Arg98Gln (NM_001077183.3, NM_001114382.3, NM_001363528.2 and 3 more transcripts); c.146G>A, p.Arg49Gln (NM_001318829.2); c.326G>A, p.Arg109Gln (NM_001318832.2); c.226-887G>A (NM_001318827.2); c.-1-2787G>A (NM_001318831.2); short protein forms R98Q, R109Q, R49Q.
Identifiers: ClinVar variation 643234 (VCV000643234.16), dbSNP rs1478204355, ClinGen allele CA394305789.